The following is an entry in ClinVar:

NM_024675.4(PALB2):c.757C>G (p.Leu253Val)

Gene: PALB2 (partner and localizer of BRCA2; minus strand). Cytogenetic location: 16p12.2.
Variant type: single nucleotide variant.
Coding change: c.757C>G on transcript NM_024675.4 (MANE Select); coding-DNA position 757, C replaced by G.
Protein change: p.Leu253Val; replaces leucine 253 with valine.
Molecular consequence: missense variant.
Genome position (GRCh38, 1-based): chr16:23,635,789, G>C on the plus strand (C>G on the coding strand, the complement: PALB2 is on the minus strand). VCF-style: chr16-23635789-G-C. GRCh37 (hg19) VCF-style: chr16-23647110-G-C.
Other names: short protein forms L253V.
Identifiers: ClinVar variation 410217 (VCV000410217.12), dbSNP rs565005049, ClinGen allele CA16614868.

ClinVar aggregate classification (germline): Uncertain significance. Review status: criteria provided, multiple submitters, no conflicts (2 of 4 stars). 2 submissions from 2 submitters: Uncertain significance (2). Last evaluated 2024-05-12.

Conditions:
Hereditary cancer-predisposing syndrome. Also called: Tumor predisposition; Hereditary Cancer Syndrome; Hereditary neoplastic syndrome; Neoplastic Syndromes, Hereditary. Identifiers: Orphanet 140162, MedGen C0027672, MeSH D009386, MONDO:0015356.
Familial cancer of breast. Also called: BREAST CANCER, FAMILIAL; Hereditary breast cancer; hereditary breast carcinoma. Identifiers: Orphanet 227535, MedGen C0346153, MONDO:0016419, OMIM 114480. Disease mechanism: loss of function.

Submissions (2):

Labcorp Genetics (formerly Invitae), Labcorp
Classification: Uncertain significance for Familial cancer of breast. Last evaluated: 2024-05-12. Review status: criteria provided, single submitter. Criteria: Invitae Variant Classification Sherloc (09022015). Collection method: clinical testing. Allele origin: germline.
Comment: This sequence change replaces leucine, which is neutral and non-polar, with valine, which is neutral and non-polar, at codon 253 of the PALB2 protein (p.Leu253Val). This variant is not present in population databases (gnomAD no frequency). This variant has not been reported in the literature in individuals affected with PALB2-related conditions. ClinVar contains an entry for this variant (Variation ID: 410217). Algorithms developed to predict the effect of missense changes on protein structure and function output the following: SIFT: "Not Available"; PolyPhen-2: "Benign"; Align-GVGD: "Not Available". The valine amino acid residue is found in multiple mammalian species, which suggests that this missense change does not adversely affect protein function. In summary, the available evidence is currently insufficient to determine the role of this variant in disease. Therefore, it has been classified as a Variant of Uncertain Significance.

Ambry Genetics
Classification: Uncertain significance for Hereditary cancer-predisposing syndrome. Last evaluated: 2022-04-22. Review status: criteria provided, single submitter. Criteria: Ambry Variant Classification Scheme 2023. Collection method: clinical testing. Allele origin: germline.
Comment: The p.L253V variant (also known as c.757C>G), located in coding exon 4 of the PALB2 gene, results from a C to G substitution at nucleotide position 757. The leucine at codon 253 is replaced by valine, an amino acid with highly similar properties. This amino acid position is poorly conserved in available vertebrate species. In addition, this alteration is predicted to be tolerated by in silico analysis. Since supporting evidence is limited at this time, the clinical significance of this alteration remains unclear.